The following is an entry in ClinVar:

ClinVar aggregate classification (germline): Conflicting classifications of pathogenicity. Review status: criteria provided, conflicting classifications (1 of 4 stars). 5 submissions from 5 submitters: Uncertain significance (4); Likely benign (1). Last evaluated 2025-11-24.

Conditions:
Hereditary cancer-predisposing syndrome. Also called: Neoplastic Syndromes, Hereditary; Hereditary neoplastic syndrome; Hereditary Cancer Syndrome; Tumor predisposition. Identifiers: Orphanet 140162, MedGen C0027672, MeSH D009386, MONDO:0015356.
Hereditary breast ovarian cancer syndrome. Also called: Hereditary breast and ovarian cancer syndrome (HBOC); Hereditary breast and ovarian cancer syndrome; Hereditary breast and ovarian cancer; Breast and ovarian cancer; BRCA1- and BRCA2-Associated Hereditary Breast and Ovarian Cancer; Hereditary breast and/or ovarian cancer syndrome. Identifiers: Orphanet 145, MedGen C0677776, MeSH D061325, MONDO:0003582. Disease mechanism: loss of function.

Submissions (5):

Labcorp Genetics (formerly Invitae), Labcorp
Classification: Uncertain significance for Hereditary breast ovarian cancer syndrome. Last evaluated: 2025-11-24. Review status: criteria provided, single submitter. Criteria: Invitae Variant Classification Sherloc (09022015). Collection method: clinical testing. Allele origin: germline.
Comment: This sequence change replaces leucine, which is neutral and non-polar, with proline, which is neutral and non-polar, at codon 1521 of the BRCA2 protein (p.Leu1521Pro). The frequency data for this variant in the population databases is considered unreliable, as metrics indicate poor data quality at this position in the gnomAD database. This variant has not been reported in the literature in individuals affected with BRCA2-related conditions. ClinVar contains an entry for this variant (Variation ID: 265549). An algorithm developed to predict the effect of missense changes on protein structure and function (PolyPhen-2) suggests that this variant is likely to be disruptive. In summary, the available evidence is currently insufficient to determine the role of this variant in disease. Therefore, it has been classified as a Variant of Uncertain Significance.

GeneDx
Classification: Uncertain significance. Last evaluated: 2025-11-20. Review status: criteria provided, single submitter. Criteria: GeneDx Variant Classification Process June 2021. Collection method: clinical testing. Allele origin: germline. Affected: yes.
Comment: Not observed at significant frequency in large population cohorts (gnomAD); Has not been previously published as pathogenic or benign to our knowledge; Also known as 4790_4791delinsCG; In silico analysis does not support a benign or deleterious effect of this variant on protein structure/function

Ambry Genetics
Classification: Uncertain significance for Hereditary cancer-predisposing syndrome. Last evaluated: 2025-02-07. Review status: criteria provided, single submitter. Criteria: Ambry Variant Classification Scheme 2023. Collection method: clinical testing. Allele origin: germline.
Comment: The c.4562_4563delTAinsCG variant (also known as p.L1521P), located in coding exon 10 of the BRCA2 gene, results from an in-frame deletion of TA and insertion of CG at nucleotide positions 4562 to 4563. This results in the substitution of the leucine residue for a proline residue at codon 1521, an amino acid with similar properties. This amino acid position is poorly conserved in available vertebrate species. In addition, the in silico prediction for this alteration is inconclusive (Choi Y et al. PLoS ONE. 2012; 7(10):e46688). Based on the available evidence, the clinical significance of this variant remains unclear.

Women's Health and Genetics/Laboratory Corporation of America, LabCorp
Classification: Uncertain significance. Last evaluated: 2024-11-18. Review status: criteria provided, single submitter. Criteria: LabCorp Variant Classification Summary - May 2015. Collection method: clinical testing. Allele origin: germline.
Comment: Variant summary: BRCA2 c.4562_4563delinsCG (p.Leu1521Pro) results in a non-conservative amino acid change in the encoded protein sequence. Three of five in-silico tools predict a benign effect of the variant on protein function. The variant allele was found as a multinucleotide variant (13-32913054-TA-CG) in the gnomAD database at a frequency of 8e-06 in 250602 control chromosomes. The available data on variant occurrences in the general population are insufficient to allow any conclusion about variant significance. To our knowledge, no occurrence of c.4562_4563delinsCG in individuals affected with Hereditary Breast And Ovarian Cancer Syndrome and no experimental evidence demonstrating its impact on protein function have been reported. ClinVar contains an entry for this variant (Variation ID: 265549). Based on the evidence outlined above, the variant was classified as uncertain significance.

University of Washington Department of Laboratory Medicine, University of Washington
Classification: Likely benign for Hereditary cancer-predisposing syndrome. Last evaluated: 2023-03-23. Review status: criteria provided, single submitter. Criteria: Dines et al. (Genet Med. 2020). Collection method: curation. Allele origin: germline.
Comment: Missense variant in a coldspot region where missense variants are very unlikely to be pathogenic (PMID:31911673).

BRCA2 exon 11 coldspot. Reclassification based on statistical prior probability.

NM_000059.4(BRCA2):c.4562_4563delinsCG (p.Leu1521Pro)

Gene: BRCA2 (BRCA2 DNA repair associated; plus strand). Cytogenetic location: 13q13.1.
Variant type: Indel.
Coding change: c.4562_4563delinsCG on transcript NM_000059.4 (MANE Select); coding-DNA positions 4562 to 4563, TA replaced by CG.
Protein change: p.Leu1521Pro; replaces leucine 1521 with proline.
Molecular consequence: missense variant.
Genome position (GRCh38, 1-based): chr13:32,338,917-32,338,918, TA replaced by CG. VCF-style: chr13-32338917-TA-CG. GRCh37 (hg19) VCF-style: chr13-32913054-TA-CG.
Other names: c.4562_4563delTAinsCG (NM_000059.3); short protein forms L1521P.
Identifiers: ClinVar variation 265549 (VCV000265549.19), dbSNP rs1555283849, ClinGen allele CA10588564.